The following is an entry in ClinVar:

ClinVar aggregate classification (germline): Uncertain significance (1 of 4 stars; one submission).

Conditions:
Bethlem myopathy 1A. Also called: MYOPATHY, BENIGN CONGENITAL, WITH CONTRACTURES; Bethlem myopathy 1; Bethlem Muscular Dystrophy. Identifiers: Orphanet 610, MedGen CN029274, MONDO:0024530, OMIM 158810.

Allele frequency attached by ClinVar (database versions not stated): gnomAD exomes below 0.00001.
gnomAD v4.1: 1 of 1,612,806 alleles (0.000062%); highest among the groups gnomAD compares: Non-Finnish European, 0.000085%; no homozygotes.

Submission:

Labcorp Genetics (formerly Invitae), Labcorp
Classification: Uncertain significance for Bethlem myopathy 1A. Last evaluated: 2025-07-30. Review status: criteria provided, single submitter. Criteria: Invitae Variant Classification Sherloc (09022015). Collection method: clinical testing. Allele origin: germline.
Comment: This sequence change replaces aspartic acid, which is acidic and polar, with histidine, which is basic and polar, at codon 368 of the COL6A2 protein (p.Asp368His). This variant is not present in population databases (gnomAD no frequency). This variant has not been reported in the literature in individuals affected with COL6A2-related conditions. ClinVar contains an entry for this variant (Variation ID: 1966478). Invitae Evidence Modeling of protein sequence and biophysical properties (such as structural, functional, and spatial information, amino acid conservation, physicochemical variation, residue mobility, and thermodynamic stability) has been performed for this missense variant. However, the output from this modeling did not meet the statistical confidence thresholds required to predict the impact of this variant on COL6A2 protein function. In summary, the available evidence is currently insufficient to determine the role of this variant in disease. Therefore, it has been classified as a Variant of Uncertain Significance.

NM_001849.4(COL6A2):c.1102G>C (p.Asp368His)

Gene: COL6A2 (collagen type VI alpha 2 chain; plus strand). Cytogenetic location: 21q22.3.
Variant type: single nucleotide variant.
Coding change: c.1102G>C on transcript NM_001849.4 (MANE Select); coding-DNA position 1102, G replaced by C.
Protein change: p.Asp368His; replaces aspartic acid 368 with histidine.
Molecular consequence: missense variant.
Genome position (GRCh38, 1-based): chr21:46,117,922, G>C. VCF-style: chr21-46117922-G-C. GRCh37 (hg19) VCF-style: chr21-47537836-G-C.
Other names: c.1102G>C, p.Asp368His (NM_058174.3, NM_058175.3); short protein forms D368H.
Identifiers: ClinVar variation 1966478 (VCV001966478.5), dbSNP rs2516999933, ClinGen allele CA410527661.
Genomic context (GRCh38, chr21:46,117,922, plus strand): 5'-CTCCTCTCTCAGGGCCCCGACGGTTACCCGGGGGAAGCAGGGAGTCCAGGGGAGCGAGGA[G>C]ACCAAGGCGGCAAGGTAAGTGGCCTTGTCAGGGTACGGGGCAGGCGGGGTCACCAGCTTC-3'
Protein context (NP_001840.3, residues 358-378): GEAGSPGERG[Asp368His]QGGKGDPGRP